The following is an entry in ClinVar:

ClinVar aggregate classification (germline): Uncertain significance (1 of 4 stars; one submission).

Conditions:
Pyruvate dehydrogenase E2 deficiency (PDHDD). Also called: Dihydrolipoamide Acetyltransferase (E2) Deficiency; LACTIC ACIDEMIA DUE TO DEFECT OF E2 LIPOYL TRANSACETYLASE OF THE PYRUVATE DEHYDROGENASE COMPLEX. Identifiers: Orphanet 765, Orphanet 79244, MedGen C1855565, MONDO:0009502, OMIM 245348.

Allele frequency attached by ClinVar (database versions not stated): TOPMed below 0.00001.

Submission:

Labcorp Genetics (formerly Invitae), Labcorp
Classification: Uncertain significance for Pyruvate dehydrogenase E2 deficiency. Last evaluated: 2019-07-30. Review status: criteria provided, single submitter. Criteria: Invitae Variant Classification Sherloc (09022015). Collection method: clinical testing. Allele origin: germline.
Comment: In summary, the available evidence is currently insufficient to determine the role of this variant in disease. Therefore, it has been classified as a Variant of Uncertain Significance. Algorithms developed to predict the effect of missense changes on protein structure and function (SIFT, PolyPhen-2, Align-GVGD) all suggest that this variant is likely to be tolerated, but these predictions have not been confirmed by published functional studies and their clinical significance is uncertain. This variant has not been reported in the literature in individuals with DLAT-related conditions. This variant is not present in population databases (ExAC no frequency). This sequence change replaces lysine with glutamine at codon 462 of the DLAT protein (p.Lys462Gln). The lysine residue is moderately conserved and there is a small physicochemical difference between lysine and glutamine.

NM_001931.5(DLAT):c.1384A>C (p.Lys462Gln)

Gene: DLAT (dihydrolipoamide S-acetyltransferase; plus strand). Cytogenetic location: 11q23.1.
Variant type: single nucleotide variant.
Coding change: c.1384A>C on transcript NM_001931.5 (MANE Select); coding-DNA position 1384, A replaced by C.
Protein change: p.Lys462Gln; replaces lysine 462 with glutamine.
Molecular consequence: missense variant. On other transcripts: non-coding transcript variant (1), intron variant (2).
Genome position (GRCh38, 1-based): chr11:112,045,956, A>C. VCF-style: chr11-112045956-A-C. GRCh37 (hg19) VCF-style: chr11-111916680-A-C.
Other names: c.1384A>C, p.Lys462Gln (NM_001372031.1, NM_001372033.1); c.1378A>C, p.Lys460Gln (NM_001372032.1); c.1351A>C, p.Lys451Gln (NM_001372034.1); c.1258A>C, p.Lys420Gln (NM_001372036.1); c.1216A>C, p.Lys406Gln (NM_001372037.1); c.1105A>C, p.Lys369Gln (NM_001372038.1); c.1069A>C, p.Lys357Gln (NM_001372039.1); c.1003A>C, p.Lys335Gln (NM_001372040.1); and 3 more; short protein forms K460Q, K406Q, K420Q, K451Q, K308Q, K335Q, K357Q, K369Q.
Identifiers: ClinVar variation 961474 (VCV000961474.9), dbSNP rs1863296122, ClinGen allele CA382614566.